The following is an entry in ClinVar:

NM_001165963.4(SCN1A):c.3750G>T (p.Thr1250=)

Genes: SCN1A (sodium voltage-gated channel alpha subunit 1; minus strand), LOC102724058 (uncharacterized LOC102724058; plus strand). Cytogenetic location: 2q24.3.
Variant type: single nucleotide variant.
Coding change: c.3750G>T on transcript NM_001165963.4 (MANE Select); coding-DNA position 3750, G replaced by T.
Protein change: p.Thr1250=; no amino-acid change (threonine 1250 retained).
Molecular consequence: synonymous variant. On other transcripts: non-coding transcript variant (1).
Genome position (GRCh38, 1-based): chr2:166,012,238, C>A on the plus strand (G>T on the coding strand, the complement: SCN1A is on the minus strand). VCF-style: chr2-166012238-C-A. GRCh37 (hg19) VCF-style: chr2-166868748-C-A.
Other names: c.3666G>T, p.Thr1222= (NM_001165964.3, NM_001353957.2, NM_001353958.2); c.3750G>T, p.Thr1250= (NM_001202435.3, NM_001353948.2); c.3717G>T, p.Thr1239= (NM_001353949.2, NM_001353950.2, NM_001353951.2 and 2 more transcripts); c.3714G>T, p.Thr1238= (NM_001353954.2, NM_001353955.2); c.3663G>T, p.Thr1221= (NM_001353960.2); c.1308G>T, p.Thr436= (NM_001353961.2).
Identifiers: ClinVar variation 388342 (VCV000388342.10), dbSNP rs771494149, ClinGen allele CA1942890.

ClinVar aggregate classification (germline): Likely benign. Review status: criteria provided, multiple submitters, no conflicts (2 of 4 stars). 2 submissions from 2 submitters: Likely benign (2). Last evaluated 2026-02-03.

Conditions:
Early-infantile DEE. Also called: Ohtahara syndrome; Early infantile epileptic encephalopathy; Early infantile epileptic encephalopathy with suppression bursts. Identifiers: Orphanet 1934, MedGen C0393706, MONDO:0800491.

Allele frequency attached by ClinVar (database versions not stated): TOPMed below 0.00001.
gnomAD v4.1: 5 of 1,609,706 alleles (0.00031%); highest among the groups gnomAD compares: Admixed American, 0.0084%; no homozygotes.

Submissions (2):

Labcorp Genetics (formerly Invitae), Labcorp
Classification: Likely benign for Early-infantile DEE. Last evaluated: 2026-02-03. Review status: criteria provided, single submitter. Criteria: Invitae Variant Classification Sherloc (09022015). Collection method: clinical testing. Allele origin: germline.

GeneDx
Classification: Likely benign. Last evaluated: 2018-01-18. Review status: criteria provided, single submitter. Criteria: GeneDx Variant Classification (06012015). Collection method: clinical testing. Allele origin: germline. Affected: yes.
Comment: This variant is considered likely benign or benign based on one or more of the following criteria: it is a conservative change, it occurs at a poorly conserved position in the protein, it is predicted to be benign by multiple in silico algorithms, and/or has population frequency not consistent with disease.